The following is an entry in ClinVar:

ClinVar aggregate classification (germline): Uncertain significance (0 of 4 stars; one submission).

Conditions:
PLOD2-related disorder. Also called: PLOD2-related condition.

gnomAD v4.1: 2 of 1,607,914 alleles (0.00012%); highest among the groups gnomAD compares: Non-Finnish European, 0.00017%; no homozygotes.

Submission:

PreventionGenetics, part of Exact Sciences
Classification: Uncertain significance for PLOD2-related condition. Last evaluated: 2024-08-13. Review status: no assertion criteria provided. Collection method: clinical testing. Allele origin: germline.
Comment: The PLOD2 c.280A>G variant is predicted to result in the amino acid substitution p.Lys94Glu. To our knowledge, this variant has not been reported in the literature or in a large population database, indicating this variant is rare. At this time, the clinical significance of this variant is uncertain due to the absence of conclusive functional and genetic evidence.

NM_182943.3(PLOD2):c.280A>G (p.Lys94Glu)

Gene: PLOD2 (procollagen-lysine,2-oxoglutarate 5-dioxygenase 2; minus strand). Cytogenetic location: 3q24.
Variant type: single nucleotide variant.
Coding change: c.280A>G on transcript NM_182943.3 (MANE Select); coding-DNA position 280, A replaced by G.
Protein change: p.Lys94Glu; replaces lysine 94 with glutamic acid.
Molecular consequence: missense variant.
Genome position (GRCh38, 1-based): chr3:146,121,170, T>C on the plus strand (A>G on the coding strand, the complement: PLOD2 is on the minus strand). VCF-style: chr3-146121170-T-C. GRCh37 (hg19) VCF-style: chr3-145838957-T-C.
Other names: c.280A>G, p.Lys94Glu (NM_000935.3); short protein forms K94E.
Identifiers: ClinVar variation 3355113 (VCV003355113.1).